The following is an entry in ClinVar:

NM_003896.4(ST3GAL5):c.478C>T (p.Pro160Ser)

Gene: ST3GAL5 (ST3 beta-galactoside alpha-2,3-sialyltransferase 5; minus strand). Cytogenetic location: 2p11.2.
Variant type: single nucleotide variant.
Coding change: c.478C>T on transcript NM_003896.4 (MANE Select); coding-DNA position 478, C replaced by T.
Protein change: p.Pro160Ser; replaces proline 160 with serine.
Molecular consequence: missense variant. On other transcripts: 5 prime UTR variant (1).
Genome position (GRCh38, 1-based): chr2:85,848,045, G>A on the plus strand (C>T on the coding strand, the complement: ST3GAL5 is on the minus strand). VCF-style: chr2-85848045-G-A. GRCh37 (hg19) VCF-style: chr2-86075168-G-A.
Other names: c.409C>T, p.Pro137Ser (NM_001042437.2); c.94C>T, p.Pro32Ser (NM_001354223.2, NM_001354224.2, NM_001354226.2 and 3 more transcripts); c.394C>T, p.Pro132Ser (NM_001354227.2, NM_001354229.2, NM_001354238.1); c.-427C>T (NM_001354247.1); c.478C>T, p.Pro160Ser (NM_001363847.1); short protein forms P132S, P137S, P160S, P32S.
Identifiers: ClinVar variation 2002260 (VCV002002260.4), dbSNP rs2103959672, ClinGen allele CA347532394.

ClinVar aggregate classification (germline): Uncertain significance (1 of 4 stars; one submission).

Conditions:
GM3 synthase deficiency (SPDRS). Also called: AMISH INFANTILE EPILEPSY SYNDROME; SALT AND PEPPER DEVELOPMENTAL REGRESSION SYNDROME; SALT AND PEPPER MENTAL RETARDATION SYNDROME. Identifiers: Orphanet 171714, Orphanet 370933, MedGen C1836824, MONDO:0018274, OMIM 609056.

Submission:

Labcorp Genetics (formerly Invitae), Labcorp
Classification: Uncertain significance for GM3 synthase deficiency. Last evaluated: 2022-06-03. Review status: criteria provided, single submitter. Criteria: Invitae Variant Classification Sherloc (09022015). Collection method: clinical testing. Allele origin: germline.
Comment: In summary, the available evidence is currently insufficient to determine the role of this variant in disease. Therefore, it has been classified as a Variant of Uncertain Significance. Algorithms developed to predict the effect of missense changes on protein structure and function (SIFT, PolyPhen-2, Align-GVGD) all suggest that this variant is likely to be disruptive. This variant has not been reported in the literature in individuals affected with ST3GAL5-related conditions. This variant is not present in population databases (gnomAD no frequency). This sequence change replaces proline, which is neutral and non-polar, with serine, which is neutral and polar, at codon 160 of the ST3GAL5 protein (p.Pro160Ser).